The following is an entry in ClinVar:

NM_004370.6(COL12A1):c.560A>C (p.Asp187Ala)

Gene: COL12A1 (collagen type XII alpha 1 chain; minus strand). Cytogenetic location: 6q13.
Variant type: single nucleotide variant.
Coding change: c.560A>C on transcript NM_004370.6 (MANE Select); coding-DNA position 560, A replaced by C.
Protein change: p.Asp187Ala; replaces aspartic acid 187 with alanine.
Molecular consequence: missense variant. On other transcripts: intron variant (2).
Genome position (GRCh38, 1-based): chr6:75,189,650, T>G on the plus strand (A>C on the coding strand, the complement: COL12A1 is on the minus strand). VCF-style: chr6-75189650-T-G. GRCh37 (hg19) VCF-style: chr6-75899366-T-G.
Other names: c.560A>C, p.Asp187Ala (NM_001424113.1, NM_001424114.1, NM_001424115.1); c.73+13070A>C (NM_001424116.1, NM_080645.3); short protein forms D187A.
Identifiers: ClinVar variation 4616156 (VCV004616156.1).

ClinVar aggregate classification (germline): Uncertain significance (1 of 4 stars; one submission).

Conditions:
Inborn genetic diseases. Identifiers: MedGen C0950123, MeSH D030342.

Submission:

Ambry Genetics
Classification: Uncertain significance for Inborn genetic diseases. Last evaluated: 2025-11-13. Review status: criteria provided, single submitter. Criteria: Ambry Variant Classification Scheme 2023. Collection method: clinical testing. Allele origin: germline.
Comment: The c.560A>C (p.D187A) alteration is located in exon 6 (coding exon 5) of the COL12A1 gene. This alteration results from a A to C substitution at nucleotide position 560, causing the aspartic acid (D) at amino acid position 187 to be replaced by an alanine (A). This variant was not reported in population-based cohorts in the Genome Aggregation Database (gnomAD). This amino acid position is highly conserved in available vertebrate species. This alteration is predicted to be deleterious by in silico analysis. Based on insufficient or conflicting evidence, the clinical significance of this alteration remains unclear.